The following is an entry in ClinVar:

NM_001353108.3(CEP63):c.1201C>T (p.Gln401Ter)

Gene: CEP63 (centrosomal protein 63; plus strand). Cytogenetic location: 3q22.2.
Variant type: single nucleotide variant.
Coding change: c.1201C>T on transcript NM_001353108.3 (MANE Select); coding-DNA position 1201, C replaced by T.
Protein change: p.Gln401Ter; replaces glutamine 401 with a stop codon.
Molecular consequence: nonsense. On other transcripts: non-coding transcript variant (4).
Genome position (GRCh38, 1-based): chr3:134,550,081, C>T. VCF-style: chr3-134550081-C-T. GRCh37 (hg19) VCF-style: chr3-134268923-C-T.
Other names: c.1063C>T, p.Gln355Ter (NM_001042383.2, NM_001042384.2, NM_001353109.1 and 6 more transcripts); c.1201C>T, p.Gln401Ter (NM_001042400.3, NM_001353110.1, NM_001353111.2 and 4 more transcripts); c.1090C>T, p.Gln364Ter (NM_001353118.1); c.979C>T, p.Gln327Ter (NM_001353125.2); c.700C>T, p.Gln234Ter (NM_001353126.2); short protein forms Q364*, Q355*, Q234*, Q327*, Q401*.
Identifiers: ClinVar variation 2777203 (VCV002777203.3), dbSNP rs753461493, ClinGen allele CA2628621.

ClinVar aggregate classification (germline): Pathogenic (1 of 4 stars; one submission).

Allele frequency attached by ClinVar (database versions not stated): gnomAD exomes below 0.00001; ExAC 0.00001; gnomAD 0.00001; TOPMed 0.00001.
gnomAD v4.1: 3 of 1,613,310 alleles (0.00019%); highest among the groups gnomAD compares: African/African-American, 0.004%; no homozygotes.

Submission:

Labcorp Genetics (formerly Invitae), Labcorp
Classification: Pathogenic. Last evaluated: 2023-10-20. Review status: criteria provided, single submitter. Criteria: Invitae Variant Classification Sherloc (09022015). Collection method: clinical testing. Allele origin: germline.
Comment: This sequence change creates a premature translational stop signal (p.Gln401*) in the CEP63 gene. It is expected to result in an absent or disrupted protein product. Loss-of-function variants in CEP63 are known to be pathogenic (PMID: 21983783, 23936128, 26158450). This variant is present in population databases (rs753461493, gnomAD 0.007%). This variant has not been reported in the literature in individuals affected with CEP63-related conditions. For these reasons, this variant has been classified as Pathogenic.

Literature cited by the submitters: PubMed 21983783; PubMed 23936128; PubMed 26158450.